The following is an entry in ClinVar:

NM_172245.4(CSF2RA):c.140dup (p.Leu47fs)

Gene: CSF2RA (colony stimulating factor 2 receptor subunit alpha; plus strand). Cytogenetic location: Xp22.33.
Variant type: Duplication.
Coding change: c.140dup on transcript NM_172245.4 (MANE Select); coding-DNA position 140, one base duplicated (T; older notation c.140dupT).
Protein change: p.Leu47fs; shifts the reading frame from leucine 47.
Molecular consequence: frameshift variant. On other transcripts: non-coding transcript variant (1), intron variant (1).
Genome position (GRCh38, 1-based): chrX:1,285,841, T duplicated; the last of 3 consecutive T bases (chrX:1,285,839-1,285,841); duplicating any one gives the same sequence. VCF-style (leftmost placement, unchanged base first): chrX-1285838-A-AT. GRCh37 (hg19) VCF-style: chrX-1404731-A-AT.
Other names: c.140dup, p.Leu47fs (NM_001161529.2, NM_001161530.2, NM_001161531.2 and 20 more transcripts); c.-180-2678dup (NM_001161532.2); short protein forms L47fs.
Identifiers: ClinVar variation 1070210 (VCV001070210.7), dbSNP rs2148312047, ClinGen allele CA2580615354.

ClinVar aggregate classification (germline): Pathogenic (1 of 4 stars; one submission).

Conditions:
Surfactant metabolism dysfunction, pulmonary, 4 (SMDP4). Also called: CSF2RA DEFICIENCY; PULMONARY ALVEOLAR PROTEINOSIS, CONGENITAL, 4; PAP DUE TO CSF2RA DEFICIENCY. Identifiers: Orphanet 264675, MedGen C2677877, MONDO:0010424, OMIM 300770.

Submission:

Labcorp Genetics (formerly Invitae), Labcorp
Classification: Pathogenic for Surfactant metabolism dysfunction, pulmonary, 4. Last evaluated: 2020-03-05. Review status: criteria provided, single submitter. Criteria: Invitae Variant Classification Sherloc (09022015). Collection method: clinical testing. Allele origin: germline.
Comment: This variant has not been reported in the literature in individuals with CSF2RA-related conditions. This sequence change creates a premature translational stop signal (p.Leu47Phefs*18) in the CSF2RA gene. It is expected to result in an absent or disrupted protein product. This variant is not present in population databases (ExAC no frequency). Loss-of-function variants in CSF2RA are known to be pathogenic (PMID: 20622029, 25425184). For these reasons, this variant has been classified as Pathogenic.

Literature cited by the submitters: PubMed 20622029; PubMed 25425184.